The following is an entry in ClinVar:

NM_001278116.2(L1CAM):c.3536T>G (p.Leu1179Arg)

Gene: L1CAM (L1 cell adhesion molecule; minus strand). Cytogenetic location: Xq28.
Variant type: single nucleotide variant.
Coding change: c.3536T>G on transcript NM_001278116.2 (MANE Select); coding-DNA position 3536, T replaced by G.
Protein change: p.Leu1179Arg; replaces leucine 1179 with arginine.
Molecular consequence: missense variant. On other transcripts: intron variant (2).
Genome position (GRCh38, 1-based): chrX:153,863,374, A>C on the plus strand (T>G on the coding strand, the complement: L1CAM is on the minus strand). VCF-style: chrX-153863374-A-C. GRCh37 (hg19) VCF-style: chrX-153128829-A-C.
Other names: c.3536T>G, p.Leu1179Arg (NM_000425.5); c.3515+103T>G (NM_001143963.2); c.3530+103T>G (NM_024003.3); short protein forms L1179R.
Identifiers: ClinVar variation 3359405 (VCV003359405.1).
Genomic context (GRCh38, chrX:153,863,374, plus strand): 5'-CATTGTCTATAGGGAGACCTTGCTGTTGGCCCCTCCCCACCGCCCCTGCCTTACCTCTCC[A>C]GGGACCTGAAGTCACCCGGCAGCACAGAGAAGAGAGAGAGGGGGTGAGATGTGAAGGCCA-3'
Protein context (NP_001265045.1, residues 1169-1189): KDETFGEYRS[Leu1179Arg]ESDNEEKAFG

ClinVar aggregate classification (germline): Uncertain significance (1 of 4 stars; one submission).

Submission:

GeneDx
Classification: Uncertain significance. Last evaluated: 2023-06-05. Review status: criteria provided, single submitter. Criteria: GeneDx Variant Classification Process June 2021. Collection method: clinical testing. Allele origin: germline. Affected: yes.
Comment: Not observed at significant frequency in large population cohorts (gnomAD); In silico analysis supports that this missense variant does not alter protein structure/function; Has not been previously published as pathogenic or benign to our knowledge; This variant is associated with the following publications: (PMID: 25641508)